The following is an entry in ClinVar:

ClinVar aggregate classification (germline): Uncertain significance (1 of 4 stars; one submission).

Conditions:
Spermatogenic failure 18. Identifiers: MedGen C4539783, MONDO:0054615, OMIM 617576.
Ciliary dyskinesia, primary, 37 (CILD37). Also called: CILIARY DYSKINESIA, PRIMARY, 37, WITH OR WITHOUT SITUS INVERSUS. Identifiers: MedGen C4539798, MONDO:0033204, OMIM 617577.

Allele frequency attached by ClinVar (database versions not stated): TOPMed 0.00005.
gnomAD v4.1: 139 of 1,587,452 alleles (0.0088%); highest among the groups gnomAD compares: Non-Finnish European, 0.011%; no homozygotes.

Submission:

Labcorp Genetics (formerly Invitae), Labcorp
Classification: Uncertain significance for Ciliary dyskinesia, primary, 37; Spermatogenic failure 18. Last evaluated: 2022-06-20. Review status: criteria provided, single submitter. Criteria: Invitae Variant Classification Sherloc (09022015). Collection method: clinical testing. Allele origin: germline.
Comment: This sequence change replaces arginine, which is basic and polar, with serine, which is neutral and polar, at codon 2486 of the DNAH1 protein (p.Arg2486Ser). This variant is present in population databases (rs755633690, gnomAD 0.008%). This variant has not been reported in the literature in individuals affected with DNAH1-related conditions. ClinVar contains an entry for this variant (Variation ID: 662532). Algorithms developed to predict the effect of missense changes on protein structure and function are either unavailable or do not agree on the potential impact of this missense change (SIFT: "Deleterious"; PolyPhen-2: "Possibly Damaging"; Align-GVGD: "Class C0"). In summary, the available evidence is currently insufficient to determine the role of this variant in disease. Therefore, it has been classified as a Variant of Uncertain Significance.

NM_015512.5(DNAH1):c.7456C>A (p.Arg2486Ser)

Gene: DNAH1 (dynein axonemal heavy chain 1; plus strand). Cytogenetic location: 3p21.1.
Variant type: single nucleotide variant.
Coding change: c.7456C>A on transcript NM_015512.5 (MANE Select); coding-DNA position 7456, C replaced by A.
Protein change: p.Arg2486Ser; replaces arginine 2486 with serine.
Molecular consequence: missense variant.
Genome position (GRCh38, 1-based): chr3:52,379,983, C>A. VCF-style: chr3-52379983-C-A. GRCh37 (hg19) VCF-style: chr3-52413999-C-A.
Other names: short protein forms R2486S.
Identifiers: ClinVar variation 662532 (VCV000662532.3), dbSNP rs755633690, ClinGen allele CA2434892.